The following is an entry in ClinVar:

NM_032888.4(COL27A1):c.1235G>T (p.Arg412Leu)

Gene: COL27A1 (collagen type XXVII alpha 1 chain; plus strand). Cytogenetic location: 9q32.
Variant type: single nucleotide variant.
Coding change: c.1235G>T on transcript NM_032888.4 (MANE Select); coding-DNA position 1235, G replaced by T.
Protein change: p.Arg412Leu; replaces arginine 412 with leucine.
Molecular consequence: missense variant.
Genome position (GRCh38, 1-based): chr9:114,168,790, G>T. VCF-style: chr9-114168790-G-T. GRCh37 (hg19) VCF-style: chr9-116931070-G-T.
Other names: short protein forms R412L.
Identifiers: ClinVar variation 1488623 (VCV001488623.3), dbSNP rs148184700, ClinGen allele CA5201338.

ClinVar aggregate classification (germline): Uncertain significance (1 of 4 stars; one submission).

gnomAD v4.1: 3 of 1,613,788 alleles (0.00019%); highest among the groups gnomAD compares: Non-Finnish European, 0.00017%; no homozygotes.

Submission:

Labcorp Genetics (formerly Invitae), Labcorp
Classification: Uncertain significance. Last evaluated: 2022-01-26. Review status: criteria provided, single submitter. Criteria: Invitae Variant Classification Sherloc (09022015). Collection method: clinical testing. Allele origin: germline.
Comment: This sequence change replaces arginine, which is basic and polar, with leucine, which is neutral and non-polar, at codon 412 of the COL27A1 protein (p.Arg412Leu). This variant is present in population databases (rs148184700, gnomAD no frequency). This variant has not been reported in the literature in individuals affected with COL27A1-related conditions. Advanced modeling of protein sequence and biophysical properties (such as structural, functional, and spatial information, amino acid conservation, physicochemical variation, residue mobility, and thermodynamic stability) performed at Invitae indicates that this missense variant is not expected to disrupt COL27A1 protein function. In summary, the available evidence is currently insufficient to determine the role of this variant in disease. Therefore, it has been classified as a Variant of Uncertain Significance.